The following is an entry in ClinVar:

NM_015335.5(MED13L):c.3682C>G (p.Leu1228Val)

Gene: MED13L (mediator complex subunit 13L; minus strand). Cytogenetic location: 12q24.21.
Variant type: single nucleotide variant.
Coding change: c.3682C>G on transcript NM_015335.5 (MANE Select); coding-DNA position 3682, C replaced by G.
Protein change: p.Leu1228Val; replaces leucine 1228 with valine.
Molecular consequence: missense variant.
Genome position (GRCh38, 1-based): chr12:115,991,272, G>C on the plus strand (C>G on the coding strand, the complement: MED13L is on the minus strand). VCF-style: chr12-115991272-G-C. GRCh37 (hg19) VCF-style: chr12-116429077-G-C.
Other names: short protein forms L1228V.
Identifiers: ClinVar variation 3666187 (VCV003666187.2).

ClinVar aggregate classification (germline): Uncertain significance (1 of 4 stars; one submission).

Conditions:
Dextro-looped transposition of the great arteries. Also called: Dextrotransposition of the great arteries. Identifiers: Orphanet 860, MedGen C3531771, MONDO:0019443, OMIM 608808, HP:0031348.

Submission:

Labcorp Genetics (formerly Invitae), Labcorp
Classification: Uncertain significance for Dextro-looped transposition of the great arteries. Last evaluated: 2024-12-04. Review status: criteria provided, single submitter. Criteria: Invitae Variant Classification Sherloc (09022015). Collection method: clinical testing. Allele origin: germline.
Comment: This sequence change replaces leucine, which is neutral and non-polar, with valine, which is neutral and non-polar, at codon 1228 of the MED13L protein (p.Leu1228Val). This variant is present in population databases (rs768950576, gnomAD 0.0009%). This variant has not been reported in the literature in individuals affected with MED13L-related conditions. Invitae Evidence Modeling of protein sequence and biophysical properties (such as structural, functional, and spatial information, amino acid conservation, physicochemical variation, residue mobility, and thermodynamic stability) indicates that this missense variant is not expected to disrupt MED13L protein function with a negative predictive value of 80%. In summary, the available evidence is currently insufficient to determine the role of this variant in disease. Therefore, it has been classified as a Variant of Uncertain Significance.